The following is an entry in ClinVar:

NM_000313.4(PROS1):c.183A>C (p.Glu61Asp)

Gene: PROS1 (protein S; minus strand). Cytogenetic location: 3q11.1.
Variant type: single nucleotide variant.
Coding change: c.183A>C on transcript NM_000313.4 (MANE Select); coding-DNA position 183, A replaced by C.
Protein change: p.Glu61Asp; replaces glutamic acid 61 with aspartic acid.
Molecular consequence: missense variant.
Genome position (GRCh38, 1-based): chr3:93,927,301, T>G on the plus strand (A>C on the coding strand, the complement: PROS1 is on the minus strand). VCF-style: chr3-93927301-T-G. GRCh37 (hg19) VCF-style: chr3-93646145-T-G.
Other names: c.279A>C, p.Glu93Asp (NM_001314077.2); short protein forms E61D, E93D.
Identifiers: ClinVar variation 3628572 (VCV003628572.1).

ClinVar aggregate classification (germline): Uncertain significance (1 of 4 stars; one submission).

Conditions:
Thrombophilia due to protein S deficiency, autosomal recessive (THPH6). Identifiers: Orphanet 743, MedGen C3281092, MONDO:0013791, OMIM 614514. Disease mechanism: loss of function.

Submission:

Labcorp Genetics (formerly Invitae), Labcorp
Classification: Uncertain significance for Thrombophilia due to protein S deficiency, autosomal recessive. Last evaluated: 2024-06-08. Review status: criteria provided, single submitter. Criteria: Invitae Variant Classification Sherloc (09022015). Collection method: clinical testing. Allele origin: germline.
Comment: This sequence change replaces glutamic acid, which is acidic and polar, with aspartic acid, which is acidic and polar, at codon 61 of the PROS1 protein (p.Glu61Asp). This variant is not present in population databases (gnomAD no frequency). This variant has not been reported in the literature in individuals affected with PROS1-related conditions. Advanced modeling of protein sequence and biophysical properties (such as structural, functional, and spatial information, amino acid conservation, physicochemical variation, residue mobility, and thermodynamic stability) performed at Invitae indicates that this missense variant is expected to disrupt PROS1 protein function with a positive predictive value of 80%. In summary, the available evidence is currently insufficient to determine the role of this variant in disease. Therefore, it has been classified as a Variant of Uncertain Significance.